The following is an entry in ClinVar:

ClinVar aggregate classification (germline): Uncertain significance (1 of 4 stars; one submission).

Conditions:
Cornelia de Lange syndrome 1 (CDLS1). Also called: TYPUS DEGENERATIVUS AMSTELODAMENSIS; NIPBL-Related Cornelia de Lange Syndrome; Brachmann de Lange syndrome. Identifiers: Orphanet 199, MedGen C4551851, MONDO:0007387, OMIM 122470.

Submission:

Labcorp Genetics (formerly Invitae), Labcorp
Classification: Uncertain significance for Cornelia de Lange syndrome 1. Last evaluated: 2021-10-10. Review status: criteria provided, single submitter. Criteria: Invitae Variant Classification Sherloc (09022015). Collection method: clinical testing. Allele origin: germline.
Comment: In summary, the available evidence is currently insufficient to determine the role of this variant in disease. Therefore, it has been classified as a Variant of Uncertain Significance. Variants that disrupt the consensus splice site are a relatively common cause of aberrant splicing (PMID: 17576681, 9536098). Algorithms developed to predict the effect of sequence changes on RNA splicing suggest that this variant may disrupt the consensus splice site. Algorithms developed to predict the effect of missense changes on protein structure and function are either unavailable or do not agree on the potential impact of this missense change (SIFT: "Deleterious"; PolyPhen-2: "Benign"; Align-GVGD: "Class C0"). This variant has not been reported in the literature in individuals affected with NIPBL-related conditions. This variant is not present in population databases (ExAC no frequency). This sequence change replaces alanine with threonine at codon 204 of the NIPBL protein (p.Ala204Thr). The alanine residue is moderately conserved and there is a small physicochemical difference between alanine and threonine. This variant also falls at the last nucleotide of exon 6, which is part of the consensus splice site for this exon.

Literature cited by the submitters: PubMed 17576681; PubMed 9536098.

NM_133433.4(NIPBL):c.610G>A (p.Ala204Thr)

Gene: NIPBL (NIPBL cohesin loading factor; plus strand). Cytogenetic location: 5p13.2.
Variant type: single nucleotide variant.
Coding change: c.610G>A on transcript NM_133433.4 (MANE Select); coding-DNA position 610, G replaced by A.
Protein change: p.Ala204Thr; replaces alanine 204 with threonine.
Molecular consequence: missense variant.
Genome position (GRCh38, 1-based): chr5:36,962,274, G>A. VCF-style: chr5-36962274-G-A. GRCh37 (hg19) VCF-style: chr5-36962376-G-A.
Other names: c.610G>A, p.Ala204Thr (NM_015384.5); short protein forms A204T.
Identifiers: ClinVar variation 1480400 (VCV001480400.6), dbSNP rs2149607994, ClinGen allele CA359476828.